The following is an entry in ClinVar:

ClinVar aggregate classification (germline): Uncertain significance (1 of 4 stars; one submission).

Conditions:
Inborn genetic diseases. Identifiers: MedGen C0950123, MeSH D030342.

Submission:

Ambry Genetics
Classification: Uncertain significance for Inborn genetic diseases. Last evaluated: 2025-12-28. Review status: criteria provided, single submitter. Criteria: Ambry Variant Classification Scheme 2023. Collection method: clinical testing. Allele origin: germline.
Comment: The p.V816L variant (also known as c.2446G>C), located in coding exon 12 of the BMPR2 gene, results from a G to C substitution at nucleotide position 2446. The valine at codon 816 is replaced by leucine, an amino acid with highly similar properties. This amino acid position is conserved. In addition, this alteration is predicted to be tolerated by in silico analysis. Based on the available evidence, the clinical significance of this variant remains unclear.

NM_001204.7(BMPR2):c.2446G>C (p.Val816Leu)

Gene: BMPR2 (bone morphogenetic protein receptor type 2; plus strand). Cytogenetic location: 2q33.2.
Variant type: single nucleotide variant.
Coding change: c.2446G>C on transcript NM_001204.7 (MANE Select); coding-DNA position 2446, G replaced by C.
Protein change: p.Val816Leu; replaces valine 816 with leucine.
Molecular consequence: missense variant.
Genome position (GRCh38, 1-based): chr2:202,556,111, G>C. VCF-style: chr2-202556111-G-C. GRCh37 (hg19) VCF-style: chr2-203420834-G-C.
Other names: short protein forms V816L.
Identifiers: ClinVar variation 4843370 (VCV004843370.1).